The following is an entry in ClinVar:

ClinVar aggregate classification (germline): Uncertain significance. Review status: criteria provided, multiple submitters, no conflicts (2 of 4 stars). 2 submissions from 2 submitters: Uncertain significance (2). Last evaluated 2025-02-02.

Allele frequency attached by ClinVar (database versions not stated): ExAC 0.00001; gnomAD 0.00001; TOPMed 0.00002; gnomAD exomes 0.00003.
gnomAD v4.1: 38 of 1,611,264 alleles (0.0024%); highest among the groups gnomAD compares: Non-Finnish European, 0.0031%; no homozygotes.

Submissions (2):

Labcorp Genetics (formerly Invitae), Labcorp
Classification: Uncertain significance. Last evaluated: 2025-02-02. Review status: criteria provided, single submitter. Criteria: Invitae Variant Classification Sherloc (09022015). Collection method: clinical testing. Allele origin: germline.
Comment: This sequence change replaces lysine, which is basic and polar, with asparagine, which is neutral and polar, at codon 410 of the BUB1 protein (p.Lys410Asn). This variant is present in population databases (rs769357627, gnomAD 0.0009%). This variant has not been reported in the literature in individuals affected with BUB1-related conditions. ClinVar contains an entry for this variant (Variation ID: 2464793). In summary, the available evidence is currently insufficient to determine the role of this variant in disease. Therefore, it has been classified as a Variant of Uncertain Significance.

Ambry Genetics
Classification: Uncertain significance. Last evaluated: 2022-11-15. Review status: criteria provided, single submitter. Criteria: Ambry Variant Classification Scheme 2023. Collection method: clinical testing. Allele origin: germline.
Comment: The p.K410N variant (also known as c.1230G>C), located in coding exon 11 of the BUB1 gene, results from a G to C substitution at nucleotide position 1230. The lysine at codon 410 is replaced by asparagine, an amino acid with similar properties. This amino acid position is conserved. In addition, this alteration is predicted to be tolerated by in silico analysis. Since supporting evidence is limited at this time, the clinical significance of this alteration remains unclear.

NM_004336.5(BUB1):c.1230G>C (p.Lys410Asn)

Gene: BUB1 (BUB1 mitotic checkpoint serine/threonine kinase; minus strand). Cytogenetic location: 2q13.
Variant type: single nucleotide variant.
Coding change: c.1230G>C on transcript NM_004336.5 (MANE Select); coding-DNA position 1230, G replaced by C.
Protein change: p.Lys410Asn; replaces lysine 410 with asparagine.
Molecular consequence: missense variant.
Genome position (GRCh38, 1-based): chr2:110,660,024, C>G on the plus strand (G>C on the coding strand, the complement: BUB1 is on the minus strand). VCF-style: chr2-110660024-C-G. GRCh37 (hg19) VCF-style: chr2-111417601-C-G.
Other names: c.1170G>C, p.Lys390Asn (NM_001278616.2); c.1230G>C, p.Lys410Asn (NM_001278617.2); short protein forms K390N, K410N.
Identifiers: ClinVar variation 2464793 (VCV002464793.3), dbSNP rs769357627, ClinGen allele CA1828128.